The following is an entry in ClinVar:

NM_015443.4(KANSL1):c.1289+179C>T

Gene: KANSL1 (KAT8 regulatory NSL complex subunit 1). Cytogenetic location: 17q21.31.
Variant type: single nucleotide variant.
Coding change: c.1289+179C>T on transcript NM_015443.4 (MANE Select); 179 bases into the intron after coding-DNA position 1289, C replaced by T.
Molecular consequence: intron variant.
Genome position (GRCh38, 1-based): chr17:46,170,676, G>A on the plus strand (C>T on the coding strand, the complement: KANSL1 is on the minus strand). VCF-style: chr17-46170676-G-A. GRCh37 (hg19) VCF-style: chr17-44248042-G-A.
Other names: c.1289+179C>T (NM_001193465.2, NM_001379198.1, NM_001193466.2).
Identifiers: ClinVar variation 670404 (VCV000670404.1), dbSNP rs2532271, ClinGen allele CA291113704.

ClinVar aggregate classification (germline): Benign (1 of 4 stars; one submission).

Allele frequency attached by ClinVar (database versions not stated): 1000 Genomes Project 30x 0.08588; 1000 Genomes Project 0.08666; gnomAD 0.14275 and 0.14582; TOPMed 0.14930; gnomAD exomes 0.21179.
gnomAD v4.1: 135,133 of 689,126 alleles (20%); highest among the groups gnomAD compares: Non-Finnish European, 25%; 16,511 homozygotes.

Submission:

GeneDx
Classification: Benign. Last evaluated: 2018-06-14. Review status: criteria provided, single submitter. Criteria: GeneDx Variant Classification (06012015). Collection method: clinical testing. Allele origin: germline. Affected: yes.
Comment: This variant is considered likely benign or benign based on one or more of the following criteria: it is a conservative change, it occurs at a poorly conserved position in the protein, it is predicted to be benign by multiple in silico algorithms, and/or has population frequency not consistent with disease.